The following is an entry in ClinVar:

NM_018192.4(P3H2):c.755_756insTAA (p.Glu252delinsAspLys)

Gene: P3H2 (prolyl 3-hydroxylase 2; minus strand). Cytogenetic location: 3q28.
Variant type: Insertion.
Coding change: c.755_756insTAA on transcript NM_018192.4 (MANE Select); coding-DNA positions 755 to 756, TAA inserted.
Protein change: p.Glu252delinsAspLys.
Molecular consequence: inframe indel.
Genome position: GRCh38 VCF-style: chr3-189994161-C-CTTA. GRCh37 (hg19) VCF-style: chr3-189711950-C-CTTA.
Other names: c.212_213insTAA, p.Glu71delinsAspLys (NM_001134418.2).
Identifiers: ClinVar variation 1374655 (VCV001374655.6), dbSNP rs2108923663, ClinGen allele CA2573136834.
Genomic context (GRCh38, chr3:189,994,161, plus strand): 5'-AGCTTCATACAGACCAGCCTTATACCCTAAATACTCATATTCTTCAAATCTCTGAGGCCC[C>CTTA]TCACATAGGGTCCGGCATTCTGTATCTTCAACGAAATATTCTCTTAAGGCTTGTTCGAAG-3'

ClinVar aggregate classification (germline): Uncertain significance (1 of 4 stars; one submission).

Submission:

Labcorp Genetics (formerly Invitae), Labcorp
Classification: Uncertain significance. Last evaluated: 2021-08-12. Review status: criteria provided, single submitter. Criteria: Invitae Variant Classification Sherloc (09022015). Collection method: clinical testing. Allele origin: germline.
Comment: This variant, c.755_756insTAA, is a complex sequence change that results in the deletion of 1 and insertion of 2 amino acid(s) in the P3H2 protein (p.Glu252delinsAspLys). This variant is not present in population databases (ExAC no frequency). This variant has not been reported in the literature in individuals affected with P3H2-related conditions. Experimental studies and prediction algorithms are not available or were not evaluated, and the functional significance of this variant is currently unknown. In summary, the available evidence is currently insufficient to determine the role of this variant in disease. Therefore, it has been classified as a Variant of Uncertain Significance.